The following is an entry in ClinVar:

NC_000008.10:g.(?_145637922)_(145642173_?)del

Gene: SLC39A4 (solute carrier family 39 member 4; minus strand). Cytogenetic location: 8q24.3.
Variant type: Deletion.
Identifiers: ClinVar variation 3245609 (VCV003245609.1).

ClinVar aggregate classification (germline): Pathogenic (1 of 4 stars; one submission).

Submission:

Labcorp Genetics (formerly Invitae), Labcorp
Classification: Pathogenic. Last evaluated: 2023-09-10. Review status: criteria provided, single submitter. Criteria: Invitae Variant Classification Sherloc (09022015). Collection method: clinical testing. Allele origin: unknown.
Comment: For these reasons, this variant has been classified as Pathogenic. This variant has not been reported in the literature in individuals affected with SLC39A4-related conditions. A gross deletion of the genomic region encompassing the full coding sequence of the SLC39A4 gene has been identified. Loss-of-function variants in SLC39A4 are known to be pathogenic (PMID: 12955721). The boundaries of this event are unknown as they extend beyond the assayed region for this gene and therefore may encompass additional genes.

Literature cited by the submitters: PubMed 12955721.